The following is an entry in ClinVar:

ClinVar aggregate classification (germline): Uncertain significance. Review status: criteria provided, multiple submitters, no conflicts (2 of 4 stars). 4 submissions from 4 submitters: Uncertain significance (4). Last evaluated 2025-06-02.

Conditions:
Hereditary cancer-predisposing syndrome. Also called: Hereditary Cancer Syndrome; Neoplastic Syndromes, Hereditary; Hereditary neoplastic syndrome; Tumor predisposition. Identifiers: Orphanet 140162, MedGen C0027672, MeSH D009386, MONDO:0015356.
Fanconi anemia complementation group O. Also called: RAD51C-Related Fanconi Anemia. Identifiers: Orphanet 84, MedGen C3150653, MONDO:0013248, OMIM 613390.

Submissions (4):

Labcorp Genetics (formerly Invitae), Labcorp
Classification: Uncertain significance for Fanconi anemia complementation group O. Last evaluated: 2025-06-02. Review status: criteria provided, single submitter. Criteria: Invitae Variant Classification Sherloc (09022015). Collection method: clinical testing. Allele origin: germline.
Comment: This sequence change affects the initiator codon of the RAD51C mRNA. This change may impact translation initiation or efficiency. The next in-frame methionine is located at codon 10. This variant is not present in population databases (gnomAD no frequency). This variant has not been reported in the literature in individuals affected with RAD51C-related conditions. ClinVar contains an entry for this variant (Variation ID: 820482). In summary, the available evidence is currently insufficient to determine the role of this variant in disease. Therefore, it has been classified as a Variant of Uncertain Significance.

Ambry Genetics
Classification: Uncertain significance for Hereditary cancer-predisposing syndrome. Last evaluated: 2025-05-02. Review status: criteria provided, single submitter. Criteria: Ambry Variant Classification Scheme 2023. Collection method: clinical testing. Allele origin: germline.
Comment: The p.M1? variant (also known as c.1A>T) is located in coding exon 1 of the RAD51C gene and results from a A to T substitution at nucleotide position 1. This alters the methionine residue at the initiation codon. Variations that modify the initiation codon (ATG) are expected to result in either loss of translation initiation, N-terminal truncation, or cause a shift in the mRNA reading frame; however, there is an in-frame methionine 9 amino acids from the initiation site, which may result in N-terminal truncation of unknown functional significance. Based on the available evidence, the clinical significance of this variant remains unclear.

Quest Diagnostics Nichols Institute San Juan Capistrano
Classification: Uncertain significance. Last evaluated: 2025-01-11. Review status: criteria provided, single submitter. Criteria: Quest Diagnostics criteria. Collection method: clinical testing. Allele origin: unknown.
Comment: The RAD51C c.1A>T variant disrupts the translation initiation codon of the RAD51C mRNA and is predicted to interfere with RAD51C protein synthesis. The next available in-frame methionine is located at codon 10. This variant has not been reported in individuals with RAD51C-related conditions in the published literature. This variant has not been reported in large, multi-ethnic general populations (Genome Aggregation Database). Based on the available information, we are unable to determine the clinical significance of this variant.

Color Diagnostics, LLC DBA Color Health
Classification: Uncertain significance for Hereditary cancer-predisposing syndrome. Last evaluated: 2024-09-04. Review status: criteria provided, single submitter. Criteria: ACMG Guidelines, 2015. Collection method: clinical testing. Allele origin: germline.
Comment: This variant results in the loss of the translation initiator methionine at codon 1 of the RAD51C gene. However, a methionine at codon 10 may serve as an alternative translation start site before the first known functional domain. Functional studies suggest that RAD51C protein that use the methionine at position 10 as the translation start codon can function similarly to the wild-type protein (PMID: 12966089, 38330859). This variant has not been reported in individuals affected with RAD51C-related disorders in the literature. This variant has not been identified in the general population by the Genome Aggregation Database (gnomAD). The available evidence is insufficient to determine the role of this variant in disease conclusively. Therefore, this variant is classified as a Variant of Uncertain Significance.

Literature cited by the submitters: PubMed 36243179 (cited by Quest Diagnostics Nichols Institute San Juan Capistrano); PubMed 12966089 (cited by Color Diagnostics, LLC DBA Color Health); PubMed 38330859 (cited by Color Diagnostics, LLC DBA Color Health).

NM_058216.3(RAD51C):c.1A>T (p.Met1Leu)

Gene: RAD51C (RAD51 paralog C; plus strand). Cytogenetic location: 17q22.
Variant type: single nucleotide variant.
Coding change: c.1A>T on transcript NM_058216.3 (MANE Select); coding-DNA position 1, A replaced by T.
Protein change: p.Met1Leu; changes the start codon (methionine 1).
Molecular consequence: missense variant, initiator codon variant. On other transcripts: non-coding transcript variant (2).
Genome position (GRCh38, 1-based): chr17:58,692,644, A>T. VCF-style: chr17-58692644-A-T. GRCh37 (hg19) VCF-style: chr17-56770005-A-T.
Other names: c.1A>T, p.Met1Leu (NM_002876.4); short protein forms M1L.
Identifiers: ClinVar variation 820482 (VCV000820482.19), dbSNP rs921435798, ClinGen allele CA400336042.
Genomic context (GRCh38, chr17:58,692,644, plus strand): 5'-GCACGCCCCAGCGAGGGCGTGCGGAGTTTGGCTGCTCCGGGGTTAGCAGGTGAGCCTGCG[A>T]TGCGCGGGAAGACGTTCCGCTTTGAAATGCAGCGGGATTTGGTGAGTTTCCCGCTGTCTC-3'
Protein context (NP_478123.1, residues 1-11): [Met1Leu]RGKTFRFEMQ